The following is an entry in ClinVar:

ClinVar aggregate classification (germline): Pathogenic. Review status: criteria provided, multiple submitters, no conflicts (2 of 4 stars). 25 submissions from 24 submitters: Pathogenic (24). 1 of the submissions does not count toward it. Last evaluated 2026-03-11.

Conditions:
Autosomal recessive BCS1L-related disorders.
BCS1L-related disorder. Also called: BCS1L-related disorders; BCS1L-related condition. Identifiers: MedGen CN239240.
Mitochondrial complex III deficiency nuclear type 1. Identifiers: Orphanet 254902, MedGen C3541471, MONDO:0007415, OMIM 124000.
GRACILE syndrome (FLNMS). Also called: FINNISH LETHAL NEONATAL METABOLIC SYNDROME; FELLMAN SYNDROME. Identifiers: Orphanet 53693, MedGen C1864002, MONDO:0011308, OMIM 603358.
Pili torti-deafness syndrome (BJS). Also called: Bjornstad syndrome; PILI TORTI AND NERVE DEAFNESS. Identifiers: Orphanet 123, MedGen C0266006, MONDO:0009872, OMIM 262000.
Leigh syndrome (NULS). Also called: Leigh's necrotizing encephalopathy; Leigh's disease; Leigh Disease; Leigh Syndrome (mtDNA deletion); LEIGH SYNDROME, NUCLEAR; Subacute necrotizing encephalopathy. Identifiers: Orphanet 506, MedGen C2931891, MONDO:0009723, OMIM 256000.

Allele frequency attached by ClinVar (database versions not stated): gnomAD exomes 0.00017 and 0.00016; 1000 Genomes Project 0.00020; TOPMed 0.00029; ExAC 0.00019; 1000 Genomes Project 30x 0.00016; gnomAD 0.00029 and 0.00030.
gnomAD v4.1: 282 of 1,614,196 alleles (0.017%); highest among the groups gnomAD compares: Admixed American, 0.072%; no homozygotes.

Submissions 1 to 13 of 25:

PreventionGenetics, part of Exact Sciences
Classification: Pathogenic for BCS1L-related condition. Last evaluated: 2026-03-11. Review status: criteria provided, single submitter. Criteria: ACMG Guidelines, 2015. Collection method: clinical testing. Allele origin: germline.
Comment: The BCS1L c.166C>T variant is predicted to result in premature protein termination (p.Arg56*). This variant has been reported as pathogenic in individuals with autosomal recessive GRACILE syndrome or mitochondrial complex 3 deficiency (Visapaa et al. 2002. PubMed ID: 12215968; Morán et al. 2010. PubMed ID: 20518024; Lynn et al. 2012. PubMed ID: 22277166). This variant is reported in 0.048% of alleles in individuals of Latino descent in gnomAD. Nonsense variants in BCS1L are expected to be pathogenic. This variant is interpreted as pathogenic.

Labcorp Genetics (formerly Invitae), Labcorp
Classification: Pathogenic. Last evaluated: 2026-01-05. Review status: criteria provided, single submitter. Criteria: Invitae Variant Classification Sherloc (09022015). Collection method: clinical testing. Allele origin: germline.
Comment: This sequence change creates a premature translational stop signal (p.Arg56*) in the BCS1L gene. It is expected to result in an absent or disrupted protein product. Loss-of-function variants in BCS1L are known to be pathogenic (PMID: 12215968, 17314340, 19162478, 19508421, 22277166, 25895478). This variant is present in population databases (rs121908576, gnomAD 0.04%). This premature translational stop signal has been observed in individuals with BCS1L-related conditions (PMID: 12215968, 12910490, 19508421, 22277166). ClinVar contains an entry for this variant (Variation ID: 6169). Algorithms developed to predict the effect of sequence changes on RNA splicing suggest that this variant may disrupt the consensus splice site. For these reasons, this variant has been classified as Pathogenic.

Natera, Inc.
Classification: Pathogenic for GRACILE syndrome. Last evaluated: 2025-12-17. Review status: criteria provided, single submitter. Criteria: Natera Variant Classification Schema (03/2026). Collection method: clinical testing. Allele origin: germline.
Comment: The c.166C>T variant in BCS1L is a nonsense variant predicted to introduce a stop codon at amino acid 56. This variant is expected to result in nonsense mediated decay, truncation, or a dysfunctional protein product. This variant is rare in the general population with a frequency below the threshold expected for the associated phenotype(s). This variant has been observed in one or more individuals affected with the associated recessive disease, as either homozygous or compound heterozygous with a second variant (PMID: 12910490). Given the available evidence, this variant is classified as Pathogenic.

Mayo Clinic Laboratories, Mayo Clinic
Classification: Pathogenic. Last evaluated: 2025-10-10. Review status: criteria provided, single submitter. Criteria: ACMG Guidelines, 2015. Collection method: clinical testing. Allele origin: germline. Observed: 1 variant allele.
Comment: PM2_supporting, PM3, PS4_moderate, PVS1

OLLIN Analises Genomicas, OLLIN
Classification: Pathogenic for Mitochondrial complex III deficiency nuclear type 1. Last evaluated: 2025-10-09. Review status: criteria provided, single submitter. Criteria: ACMG Guidelines 2015 PMID 25741868. Collection method: clinical testing. Allele origin: germline. Affected: yes. Observed: 1 variant allele.
Comment: The nonsense variant (chr2:218661153C>T), located in exon 2 (of 8), is reported in ClinVar (VCV000006169.63), in gnomAD v4.1 non-UKB with an allele frequency of 0.017%, and in the scientific literature, in homozygous and compound heterozygous states, also segregating with the phenotype, in individuals with mitochondrial complex III deficiency (PMID: 19389488, 12215968, 22277166, 25914718). This variant introduces a premature stop codon, resulting in a truncated protein or mRNA degradation via nonsense-mediated decay (NMD). Functional studies suggest that this variant affects protein function (PMID: 19389488). According to currently available evidence, this variant has been classified as pathogenic (PVS1, PS3_P, PM2_P, PM3_VS, PP1).

Variantyx, Inc.
Classification: Pathogenic for Autosomal recessive BCS1L-related disorders. Last evaluated: 2025-03-28. Review status: criteria provided, single submitter. Criteria: Variantyx Assertion Criteria 2022. Collection method: clinical testing. Allele origin: germline.
Comment: This is a nonsense variant in the BCS1L gene (OMIM: 603647). Pathogenic variants in this gene have been associated with autosomal recessive BCS1L-related disorders. This variant introduces a premature termination codon in exon 2 out of 8. It is expected to result in loss of function, which is a known disease mechanism for BCS1L in this disorder (PMID: 12215968, 17314340, 19162478, 19508421, 22277166, 25895478, 11528392) (PVS1).This variant has been reported in the compound heterozygous state in at least one affected individual (PMID: 12910490) (PM3). This variant has a 0.0716% maximum allele frequency in non-founder control populations (PM2_Supporting). Based on the current evidence, this variant is classified as pathogenic for autosomal recessive BCS1L related disorders.

Blueprint Genetics
Classification: Pathogenic for BCS1L-related disorders. Last evaluated: 2024-11-20. Review status: criteria provided, single submitter. Criteria: ACMG Guidelines, 2015. Collection method: clinical testing. Allele origin: germline. Affected: yes. Observed: 5 variant alleles.

Revvity Omics, Revvity
Classification: Pathogenic. Last evaluated: 2024-09-04. Review status: criteria provided, single submitter. Criteria: ACMG Guidelines, 2015. Collection method: clinical testing. Allele origin: germline.

GeneDx
Classification: Pathogenic. Last evaluated: 2024-05-22. Review status: criteria provided, single submitter. Criteria: GeneDx Variant Classification Process June 2021. Collection method: clinical testing. Allele origin: germline. Affected: yes.
Comment: Nonsense variant predicted to result in protein truncation or nonsense mediated decay in a gene for which loss-of-function is a known mechanism of disease; This variant is associated with the following publications: (PMID: 22277166, 34662929, 19389488, 30634555, 30582773, 31214239, 26990548, 28496993, 31589614, 28128857, 31345219, 38256023, 37236975, 12215968, 34650211, 31435670, 12910490, 20518024, 19508421)

Fulgent Genetics
Classification: Pathogenic for Mitochondrial complex III deficiency nuclear type 1; Pili torti-deafness syndrome; GRACILE syndrome. Last evaluated: 2024-05-09. Review status: criteria provided, single submitter. Criteria: ACMG Guidelines, 2015. Collection method: clinical testing. Allele origin: germline.

Baylor Genetics
Classification: Pathogenic for Pili torti-deafness syndrome. Last evaluated: 2024-03-28. Review status: criteria provided, single submitter. Criteria: ACMG Guidelines, 2015. Collection method: clinical testing. Allele origin: unknown.

Dasa
Classification: Pathogenic for Mitochondrial complex III deficiency nuclear type 1. Last evaluated: 2022-11-03. Review status: criteria provided, single submitter. Criteria: ACMG Guidelines, 2015. Collection method: clinical testing. Allele origin: germline. Affected: yes. Observed: 2 variant alleles.
Comment: The c.166C>T;p.Arg56* variant creates a premature translational stop signal in the BCS1L gene. It is expected to result in an absent or disrupted protein product - PVS1. This sequence change has been observed in affected individual(s) and ClinVar contains an entry for this variant (ClinVar ID: 6169; PMID: 12215968, PMID:12910490, PMID:19508421, PMID:22277166) - PS4. The variant is present at low allele frequencies population databases (rs121908576 – gnomAD 0.001626%; ABraOM 0.000854 frequency) - PM2_supporting. In summary, the currently available evidence indicates that the variant is pathogenic.

CeGaT Center for Human Genetics Tuebingen
Classification: Pathogenic. Last evaluated: 2022-05-01. Review status: criteria provided, single submitter. Criteria: CeGaT Center For Human Genetics Tuebingen Variant Classification Criteria Version 2. Collection method: clinical testing. Allele origin: germline. Affected: yes. Observed: 1 variant allele.
Comment: BCS1L: PVS1, PS4:Moderate

NM_001079866.2(BCS1L):c.166C>T (p.Arg56Ter)

Gene: BCS1L (BCS1 ubiquinol-cytochrome c reductase complex chaperone; plus strand). Cytogenetic location: 2q35.
Variant type: single nucleotide variant.
Coding change: c.166C>T on transcript NM_001079866.2 (MANE Select); coding-DNA position 166, C replaced by T.
Protein change: p.Arg56Ter; replaces arginine 56 with a stop codon.
Molecular consequence: nonsense. On other transcripts: 5 prime UTR variant (5), non-coding transcript variant (1), intron variant (3).
Genome position (GRCh38, 1-based): chr2:218,661,153, C>T. VCF-style: chr2-218661153-C-T. GRCh37 (hg19) VCF-style: chr2-219525876-C-T.
Other names: p.R56*:CGA>TGA; p.Arg56*; chr2:g.218661153C>T; c.166C>T (NM_001079866.1); c.166C>T, p.Arg56Ter (NM_001257342.2, NM_001257343.2, NM_001257344.2 and 10 more transcripts); c.-311C>T (NM_001371453.1, NM_001371454.1, NM_001371455.1 and 2 more transcripts); c.-40-253C>T (NM_001371451.1, NM_001318836.2); c.-41-606C>T (NM_001371452.1); short protein forms R56*.
Identifiers: ClinVar variation 6169 (VCV000006169.71), dbSNP rs121908576, ClinGen allele CA118015.